The following is an entry in ClinVar:

NM_016292.3(TRAP1):c.37C>T (p.Arg13Cys)

Genes: TRAP1 (TNF receptor associated protein 1; minus strand), LOC130058352 (ATAC-STARR-seq lymphoblastoid silent region 7139; plus strand). Cytogenetic location: 16p13.3.
Variant type: single nucleotide variant.
Coding change: c.37C>T on transcript NM_016292.3 (MANE Select); coding-DNA position 37, C replaced by T.
Protein change: p.Arg13Cys; replaces arginine 13 with cysteine.
Molecular consequence: missense variant.
Genome position (GRCh38, 1-based): chr16:3,717,472, G>A on the plus strand (C>T on the coding strand, the complement: TRAP1 is on the minus strand). VCF-style: chr16-3717472-G-A. GRCh37 (hg19) VCF-style: chr16-3767473-G-A.
Other names: c.37C>T, p.Arg13Cys (NM_001272049.2); short protein forms R13C.
Identifiers: ClinVar variation 559158 (VCV000559158.17), dbSNP rs737260, ClinGen allele CA7868885.

ClinVar aggregate classification (germline): Benign. Review status: criteria provided, multiple submitters, no conflicts (2 of 4 stars). 5 submissions from 5 submitters: Benign (4). 1 of the submissions does not count toward it. Last evaluated 2026-01-27.

Allele frequency attached by ClinVar (database versions not stated): 1000 Genomes Project 0.03135; gnomAD 0.06091 and 0.06219; TOPMed 0.06253; gnomAD exomes 0.07900; ExAC 0.12643.
gnomAD v4.1: 104,801 of 1,311,304 alleles (8%); highest among the groups gnomAD compares: Admixed American, 11%; 4,813 homozygotes.

Submissions (5):

Labcorp Genetics (formerly Invitae), Labcorp
Classification: Benign. Last evaluated: 2026-01-27. Review status: criteria provided, single submitter. Criteria: Invitae Variant Classification Sherloc (09022015). Collection method: clinical testing. Allele origin: germline.

Unidad de Genómica Garrahan, Hospital de Pediatría Garrahan
Classification: Benign. Last evaluated: 2024-01-24. Review status: criteria provided, single submitter. Criteria: ACMG Guidelines, 2015. Collection method: clinical testing. Allele origin: germline. Affected: no. Observed: 21 variant alleles.
Comment: This variant is classified as Benign based on local population frequency. This variant was detected in 22% of patients studied by a panel of primary immunodeficiencies. Number of patients: 21. Only high quality variants are reported.

GeneDx
Classification: Benign. Last evaluated: 2021-06-09. Review status: criteria provided, single submitter. Criteria: GeneDx Variant Classification Process June 2021. Collection method: clinical testing. Allele origin: germline. Affected: yes.

Breakthrough Genomics
Classification: Benign. Review status: criteria provided, single submitter. Criteria: ACMG Guidelines, 2015. Collection method: not provided. Allele origin: germline. Inheritance: Unknown mechanism. Affected: yes.

Mayo Clinic Laboratories, Mayo Clinic
Classification: Benign. Last evaluated: 2016-02-22. Review status: no assertion criteria provided. Collection method: clinical testing. Allele origin: unknown. Not counted in ClinVar's aggregate classification.